The following is an entry in ClinVar:

NM_001131016.2(CIZ1):c.467G>A (p.Arg156His)

Gene: CIZ1 (CDKN1A interacting zinc finger protein 1; minus strand). Cytogenetic location: 9q34.11.
Variant type: single nucleotide variant.
Coding change: c.467G>A on transcript NM_001131016.2 (MANE Select); coding-DNA position 467, G replaced by A.
Protein change: p.Arg156His; replaces arginine 156 with histidine.
Molecular consequence: missense variant.
Genome position (GRCh38, 1-based): chr9:128,185,668, C>T on the plus strand (G>A on the coding strand, the complement: CIZ1 is on the minus strand). VCF-style: chr9-128185668-C-T. GRCh37 (hg19) VCF-style: chr9-130947947-C-T.
Other names: c.557G>A, p.Arg186His (NM_001257975.2); c.164G>A, p.Arg55His (NM_001257976.2); c.467G>A, p.Arg156His (NM_012127.3, NM_001131015.2, NM_001131017.2); c.395G>A, p.Arg132His (NM_001131018.2); short protein forms R132H, R156H, R186H, R55H.
Identifiers: ClinVar variation 2659520 (VCV002659520.24), dbSNP rs562918472, ClinGen allele CA200325209.

ClinVar aggregate classification (germline): Uncertain significance (1 of 4 stars; one submission).

Allele frequency attached by ClinVar (database versions not stated): gnomAD exomes 0.00001.

Submission:

CeGaT Center for Human Genetics Tuebingen
Classification: Uncertain significance. Last evaluated: 2022-07-01. Review status: criteria provided, single submitter. Criteria: CeGaT Center For Human Genetics Tuebingen Variant Classification Criteria Version 2. Collection method: clinical testing. Allele origin: germline. Affected: yes. Observed: 1 variant allele.
Comment: CIZ1: PM2, BP4